The following is an entry in ClinVar:

NM_015352.2(POFUT1):c.698C>T (p.Pro233Leu)

Gene: POFUT1 (protein O-fucosyltransferase 1; plus strand). Cytogenetic location: 20q11.21.
Variant type: single nucleotide variant.
Coding change: c.698C>T on transcript NM_015352.2 (MANE Select); coding-DNA position 698, C replaced by T.
Protein change: p.Pro233Leu; replaces proline 233 with leucine.
Molecular consequence: missense variant.
Genome position (GRCh38, 1-based): chr20:32,228,418, C>T. VCF-style: chr20-32228418-C-T. GRCh37 (hg19) VCF-style: chr20-30816221-C-T.
Other names: short protein forms P233L.
Identifiers: ClinVar variation 2142663 (VCV002142663.4), dbSNP rs749943685, ClinGen allele CA9807337.

ClinVar aggregate classification (germline): Uncertain significance (1 of 4 stars; one submission).

Conditions:
Dowling-Degos disease 2 (DDD2). Identifiers: Orphanet 79145, MedGen C3809147, MONDO:0014130, OMIM 615327.

Allele frequency attached by ClinVar (database versions not stated): gnomAD exomes below 0.00001; TOPMed below 0.00001; ExAC 0.00001; gnomAD 0.00001.
gnomAD v4.1: 3 of 1,614,004 alleles (0.00019%); highest among the groups gnomAD compares: Non-Finnish European, 0.00025%; no homozygotes.

Submission:

Labcorp Genetics (formerly Invitae), Labcorp
Classification: Uncertain significance for Dowling-Degos disease 2. Last evaluated: 2024-01-22. Review status: criteria provided, single submitter. Criteria: Invitae Variant Classification Sherloc (09022015). Collection method: clinical testing. Allele origin: germline.
Comment: This sequence change replaces proline, which is neutral and non-polar, with leucine, which is neutral and non-polar, at codon 233 of the POFUT1 protein (p.Pro233Leu). This variant is present in population databases (rs749943685, gnomAD 0.002%). This variant has not been reported in the literature in individuals affected with POFUT1-related conditions. ClinVar contains an entry for this variant (Variation ID: 2142663). An algorithm developed to predict the effect of missense changes on protein structure and function (PolyPhen-2) suggests that this variant is likely to be disruptive. In summary, the available evidence is currently insufficient to determine the role of this variant in disease. Therefore, it has been classified as a Variant of Uncertain Significance.